The following is an entry in ClinVar:

NM_004371.4(COPA):c.1801C>G (p.Leu601Val)

Gene: COPA (coat protein complex I subunit alpha; minus strand). Cytogenetic location: 1q23.2.
Variant type: single nucleotide variant.
Coding change: c.1801C>G on transcript NM_004371.4 (MANE Select); coding-DNA position 1801, C replaced by G.
Protein change: p.Leu601Val; replaces leucine 601 with valine.
Molecular consequence: missense variant.
Genome position (GRCh38, 1-based): chr1:160,299,131, G>C on the plus strand (C>G on the coding strand, the complement: COPA is on the minus strand). VCF-style: chr1-160299131-G-C. GRCh37 (hg19) VCF-style: chr1-160268921-G-C.
Other names: c.1828C>G, p.Leu610Val (NM_001098398.2); short protein forms L610V, L601V.
Identifiers: ClinVar variation 4704570 (VCV004704570.1).

ClinVar aggregate classification (germline): Uncertain significance (1 of 4 stars; one submission).

Conditions:
Autoimmune interstitial lung disease-arthritis syndrome. Also called: Autoinflammation and autoimmunity, systemic, with immune dysregulation. Identifiers: Orphanet 444092, MedGen C5975714, MONDO:0014629.

Submission:

Labcorp Genetics (formerly Invitae), Labcorp
Classification: Uncertain significance for Autoimmune interstitial lung disease-arthritis syndrome. Last evaluated: 2025-09-10. Review status: criteria provided, single submitter. Criteria: Invitae Variant Classification Sherloc (09022015). Collection method: clinical testing. Allele origin: germline.
Comment: This sequence change replaces leucine, which is neutral and non-polar, with valine, which is neutral and non-polar, at codon 601 of the COPA protein (p.Leu601Val). This variant is present in population databases (no rsID available, gnomAD 0.006%). This variant has not been reported in the literature in individuals affected with COPA-related conditions. Invitae Evidence Modeling of protein sequence and biophysical properties (such as structural, functional, and spatial information, amino acid conservation, physicochemical variation, residue mobility, and thermodynamic stability) indicates that this missense variant is not expected to disrupt COPA protein function with a negative predictive value of 80%. In summary, the available evidence is currently insufficient to determine the role of this variant in disease. Therefore, it has been classified as a Variant of Uncertain Significance.